The following is an entry in ClinVar:

NM_001376256.1(CRYM):c.679G>T (p.Gly227Ter)

Gene: CRYM (crystallin mu; minus strand). Cytogenetic location: 16p12.2.
Variant type: single nucleotide variant.
Coding change: c.679G>T on transcript NM_001376256.1 (MANE Select); coding-DNA position 679, G replaced by T.
Protein change: p.Gly227Ter; replaces glycine 227 with a stop codon.
Molecular consequence: nonsense.
Genome position (GRCh38, 1-based): chr16:21,262,153, C>A on the plus strand (G>T on the coding strand, the complement: CRYM is on the minus strand). VCF-style: chr16-21262153-C-A. GRCh37 (hg19) VCF-style: chr16-21273474-C-A.
Other names: c.679G>T, p.Gly227Ter (NM_001888.5); short protein forms G227*.
Identifiers: ClinVar variation 1967931 (VCV001967931.5), dbSNP rs2506189783, ClinGen allele CA395061506.

ClinVar aggregate classification (germline): Uncertain significance (1 of 4 stars; one submission).

gnomAD v4.1: 2 of 1,614,038 alleles (0.00012%); highest among the groups gnomAD compares: Non-Finnish European, 0.00017%; no homozygotes.

Submission:

Labcorp Genetics (formerly Invitae), Labcorp
Classification: Uncertain significance. Last evaluated: 2022-08-28. Review status: criteria provided, single submitter. Criteria: Invitae Variant Classification Sherloc (09022015). Collection method: clinical testing. Allele origin: germline.
Comment: This variant is not present in population databases (gnomAD no frequency). This variant has not been reported in the literature in individuals affected with CRYM-related conditions. In summary, the available evidence is currently insufficient to determine the role of this variant in disease. Therefore, it has been classified as a Variant of Uncertain Significance. This sequence change creates a premature translational stop signal (p.Gly227*) in the CRYM gene. It is expected to result in an absent or disrupted protein product. However, the current clinical and genetic evidence is not sufficient to establish whether loss-of-function variants in CRYM cause disease.